The following is an entry in ClinVar:

ClinVar aggregate classification (germline): Uncertain significance (1 of 4 stars; one submission).

Conditions:
Emery-Dreifuss muscular dystrophy 5, autosomal dominant (EDMD5). Also called: EMERY-DREIFUSS MUSCULAR DYSTROPHY 5. Identifiers: Orphanet 261, MedGen C2751805, MONDO:0013072, OMIM 612999.

Allele frequency attached by ClinVar (database versions not stated): gnomAD 0.00001; TOPMed 0.00001.
gnomAD v4.1: 1 of 1,614,002 alleles (0.000062%); highest among the groups gnomAD compares: Non-Finnish European, 0.000085%; no homozygotes.

Submission:

Labcorp Genetics (formerly Invitae), Labcorp
Classification: Uncertain significance for Emery-Dreifuss muscular dystrophy 5, autosomal dominant. Last evaluated: 2025-06-11. Review status: criteria provided, single submitter. Criteria: Invitae Variant Classification Sherloc (09022015). Collection method: clinical testing. Allele origin: germline.
Comment: This sequence change replaces serine, which is neutral and polar, with leucine, which is neutral and non-polar, at codon 841 of the SYNE2 protein (p.Ser841Leu). This variant is present in population databases (no rsID available, gnomAD 0.007%). This variant has not been reported in the literature in individuals affected with SYNE2-related conditions. ClinVar contains an entry for this variant (Variation ID: 1417968). An algorithm developed to predict the effect of missense changes on protein structure and function (PolyPhen-2) suggests that this variant is likely to be tolerated. In summary, the available evidence is currently insufficient to determine the role of this variant in disease. Therefore, it has been classified as a Variant of Uncertain Significance.

NM_182914.3(SYNE2):c.2522C>T (p.Ser841Leu)

Gene: SYNE2 (spectrin repeat containing nuclear envelope protein 2; plus strand). Cytogenetic location: 14q23.2.
Variant type: single nucleotide variant.
Coding change: c.2522C>T on transcript NM_182914.3 (MANE Select); coding-DNA position 2522, C replaced by T.
Protein change: p.Ser841Leu; replaces serine 841 with leucine.
Molecular consequence: missense variant.
Genome position (GRCh38, 1-based): chr14:63,990,991, C>T. VCF-style: chr14-63990991-C-T. GRCh37 (hg19) VCF-style: chr14-64457709-C-T.
Other names: c.2522C>T, p.Ser841Leu (NM_015180.6); short protein forms S841L.
Identifiers: ClinVar variation 1417968 (VCV001417968.8), dbSNP rs1483737214, ClinGen allele CA389976172.
Genomic context (GRCh38, chr14:63,990,991, plus strand): 5'-TTGTCTTCAAGATCAATGTGGTAAAACTCATTGCAGCGTTGAAGAACTTAACTGACGTTT[C>T]ACCAGATTTGGACATCAGGCTGAAGATGGAAGAATCCCAGAAGGAACTTGAATCATATAT-3'
Protein context (NP_878918.2, residues 831-851): IAALKNLTDV[Ser841Leu]PDLDIRLKME